The following is an entry in ClinVar:

ClinVar aggregate classification (germline): Pathogenic (1 of 4 stars; one submission).

Conditions:
Familial cancer of breast. Also called: BREAST CANCER, FAMILIAL; Hereditary breast cancer; hereditary breast carcinoma. Identifiers: Orphanet 227535, MedGen C0346153, MONDO:0016419, OMIM 114480. Disease mechanism: loss of function.

Submission:

Myriad Genetics, Inc.
Classification: Pathogenic for Familial cancer of breast. Last evaluated: 2024-01-25. Review status: criteria provided, single submitter. Criteria: Myriad Autosomal Dominant, Autosomal Recessive and X-Linked Classification Criteria (2023). Collection method: clinical testing. Allele origin: unknown.
Comment: This variant is considered pathogenic. This variant creates a termination codon and is predicted to result in premature protein truncation.

NM_000051.4(ATM):c.5001del (p.Val1667_Leu1668insTer)

Gene: ATM (ATM serine/threonine kinase; plus strand). Cytogenetic location: 11q22.3.
Variant type: Deletion.
Coding change: c.5001del on transcript NM_000051.4 (MANE Select); coding-DNA position 5001, one base deleted (T; older notation c.5001delT).
Protein change: p.Val1667_Leu1668insTer.
Molecular consequence: frameshift variant.
Genome position (GRCh38, 1-based): chr11:108,297,378, T deleted; the last of 2 consecutive T bases (chr11:108,297,377-108,297,378); deleting either gives the same sequence. VCF-style (leftmost placement, unchanged base first): chr11-108297376-GT-G. GRCh37 (hg19) VCF-style: chr11-108168103-GT-G.
Other names: c.5001del, p.Val1667_Leu1668insTer (NM_001351834.2).
Identifiers: ClinVar variation 3148547 (VCV003148547.1), dbSNP rs2546955438, ClinGen allele CA2825001906.